The following is an entry in ClinVar:

NM_000543.5(SMPD1):c.605G>T (p.Arg202Leu)

Gene: SMPD1 (sphingomyelin phosphodiesterase 1; plus strand). Cytogenetic location: 11p15.4.
Variant type: single nucleotide variant.
Coding change: c.605G>T on transcript NM_000543.5 (MANE Select); coding-DNA position 605, G replaced by T.
Protein change: p.Arg202Leu; replaces arginine 202 with leucine.
Molecular consequence: missense variant. On other transcripts: 5 prime UTR variant (1), non-coding transcript variant (1).
Genome position (GRCh38, 1-based): chr11:6,391,670, G>T. VCF-style: chr11-6391670-G-T. GRCh37 (hg19) VCF-style: chr11-6412900-G-T.
Other names: c.602G>T, p.Arg201Leu (NM_001007593.3); c.605G>T, p.Arg202Leu (NM_001318087.2, NM_001365135.2); c.-357G>T (NM_001318088.2); short protein forms R201L, R202L.
Identifiers: ClinVar variation 3366420 (VCV003366420.1).

ClinVar aggregate classification (germline): Uncertain significance (1 of 4 stars; one submission).

gnomAD v4.1: 2 of 1,170,954 alleles (0.00017%); highest among the groups gnomAD compares: Admixed American, 0.0022%; no homozygotes.

Submission:

Women's Health and Genetics/Laboratory Corporation of America, LabCorp
Classification: Uncertain significance. Last evaluated: 2024-08-07. Review status: criteria provided, single submitter. Criteria: LabCorp Variant Classification Summary - May 2015. Collection method: clinical testing. Allele origin: germline.
Comment: Variant summary: SMPD1 c.605G>T (p.Arg202Leu) results in a non-conservative amino acid change located in the Calcineurin-like phosphoesterase domain (IPR004843) of the encoded protein sequence. Four of four in-silico tools predict a damaging effect of the variant on protein function. The variant was absent in 231178 control chromosomes. The available data on variant occurrences in the general population are insufficient to allow any conclusion about variant significance. To our knowledge, no occurrence of c.605G>T in individuals affected with Niemann-Pick Disease and no experimental evidence demonstrating its impact on protein function have been reported. No submitters have cited clinical-significance assessments for this variant to ClinVar. Based on the evidence outlined above, the variant was classified as uncertain significance.